The following is an entry in ClinVar:

ClinVar aggregate classification (germline): Conflicting classifications of pathogenicity. Review status: criteria provided, conflicting classifications (1 of 4 stars). 2 submissions from 2 submitters: Uncertain significance (1); Likely benign (1). Last evaluated 2026-06-23.

Conditions:
Inborn genetic diseases. Identifiers: MedGen C0950123, MeSH D030342.

gnomAD v4.1: 7 of 1,614,158 alleles (0.00043%); highest among the groups gnomAD compares: South Asian, 0.0066%; no homozygotes.

Submissions (2):

Ambry Genetics
Classification: Uncertain significance for Inborn genetic diseases. Last evaluated: 2026-06-23. Review status: criteria provided, single submitter. Criteria: Ambry Variant Classification Scheme 2023. Collection method: clinical testing. Allele origin: germline.
Comment: The c.3721A>G (p.S1241G) alteration is located in exon 5 (coding exon 4) of the NSD1 gene. This alteration results from a A to G substitution at nucleotide position 3721, causing the serine (S) at amino acid position 1241 to be replaced by a glycine (G). Based on data from gnomAD, the G allele has an overall frequency of <0.001% (1/251414) total alleles studied. The highest observed frequency was 0.003% (1/30614) of South Asian alleles. Based on insufficient or conflicting evidence, the clinical significance of this alteration remains unclear.

Labcorp Genetics (formerly Invitae), Labcorp
Classification: Likely benign. Last evaluated: 2024-08-29. Review status: criteria provided, single submitter. Criteria: Invitae Variant Classification Sherloc (09022015). Collection method: clinical testing. Allele origin: germline.

NM_022455.5(NSD1):c.3721A>G (p.Ser1241Gly)

Gene: NSD1 (nuclear receptor binding SET domain protein 1; plus strand). Cytogenetic location: 5q35.3.
Variant type: single nucleotide variant.
Coding change: c.3721A>G on transcript NM_022455.5 (MANE Select); coding-DNA position 3721, A replaced by G.
Protein change: p.Ser1241Gly; replaces serine 1241 with glycine.
Molecular consequence: missense variant.
Genome position (GRCh38, 1-based): chr5:177,212,120, A>G. VCF-style: chr5-177212120-A-G. GRCh37 (hg19) VCF-style: chr5-176639121-A-G.
Other names: c.2848A>G, p.Ser950Gly (NM_001365684.2, NM_001409306.1, NM_001409307.1 and 3 more transcripts); c.3721A>G, p.Ser1241Gly (NM_001409301.1, NM_001409302.1, NM_001409303.1); c.3301A>G, p.Ser1101Gly (NM_001409304.1); c.2968A>G, p.Ser990Gly (NM_001409305.1); short protein forms S1101G, S1241G, S950G, S990G.
Identifiers: ClinVar variation 3627620 (VCV003627620.3).
Genomic context (GRCh38, chr5:177,212,120, plus strand): 5'-CAAAATCATGCTGACTGCTTAGATTCAGCTGGGCCACGGTTAAATGTTTGTGATAAATCC[A>G]GTGCCAGCATTGGTGACATGGAAAAGGAGCCAGGAATTCCCAGTTTGACACCACAGGCTG-3'
Protein context (NP_071900.2, residues 1231-1251): GPRLNVCDKS[Ser1241Gly]ASIGDMEKEP